The following is an entry in ClinVar:

NM_020812.4(DOCK6):c.3769G>A (p.Val1257Met)

Genes: DOCK6 (dedicator of cytokinesis 6; minus strand), DOCK6-AS1 (DOCK6 antisense RNA 1; plus strand). Cytogenetic location: 19p13.2.
Variant type: single nucleotide variant.
Coding change: c.3769G>A on transcript NM_020812.4 (MANE Select); coding-DNA position 3769, G replaced by A.
Protein change: p.Val1257Met; replaces valine 1257 with methionine.
Molecular consequence: missense variant.
Genome position (GRCh38, 1-based): chr19:11,217,039, C>T on the plus strand (G>A on the coding strand, the complement: DOCK6 is on the minus strand). VCF-style: chr19-11217039-C-T. GRCh37 (hg19) VCF-style: chr19-11327715-C-T.
Other names: c.3874G>A, p.Val1292Met (NM_001367830.1); c.3769G>A (NM_020812.2); short protein forms V1257M, V1292M.
Identifiers: ClinVar variation 1966484 (VCV001966484.3), dbSNP rs2079500880, ClinGen allele CA404085464.

ClinVar aggregate classification (germline): Uncertain significance. Review status: criteria provided, multiple submitters, no conflicts (2 of 4 stars). 2 submissions from 2 submitters: Uncertain significance (2). Last evaluated 2024-11-22.

Conditions:
Inborn genetic diseases. Identifiers: MedGen C0950123, MeSH D030342.

Allele frequency attached by ClinVar (database versions not stated): TOPMed below 0.00001.

Submissions (2):

Ambry Genetics
Classification: Uncertain significance for Inborn genetic diseases. Last evaluated: 2024-11-22. Review status: criteria provided, single submitter. Criteria: Ambry Variant Classification Scheme 2023. Collection method: clinical testing. Allele origin: germline.

Labcorp Genetics (formerly Invitae), Labcorp
Classification: Uncertain significance. Last evaluated: 2022-02-06. Review status: criteria provided, single submitter. Criteria: Invitae Variant Classification Sherloc (09022015). Collection method: clinical testing. Allele origin: germline.
Comment: This sequence change replaces valine, which is neutral and non-polar, with methionine, which is neutral and non-polar, at codon 1257 of the DOCK6 protein (p.Val1257Met). This variant is not present in population databases (gnomAD no frequency). This variant has not been reported in the literature in individuals affected with DOCK6-related conditions. Algorithms developed to predict the effect of missense changes on protein structure and function are either unavailable or do not agree on the potential impact of this missense change (SIFT: "Deleterious"; PolyPhen-2: "Benign"; Align-GVGD: "Class C0"). In summary, the available evidence is currently insufficient to determine the role of this variant in disease. Therefore, it has been classified as a Variant of Uncertain Significance.